The following is an entry in ClinVar:

NM_000077.5(CDKN2A):c.334C>A (p.Arg112Ser)

Gene: CDKN2A (cyclin dependent kinase inhibitor 2A; minus strand). Cytogenetic location: 9p21.3.
Variant type: single nucleotide variant.
Coding change: c.334C>A on transcript NM_000077.5; coding-DNA position 334, C replaced by A.
Protein change: p.Arg112Ser; replaces arginine 112 with serine.
Molecular consequence: missense variant (on NM_000077.6). On other transcripts: 3 prime UTR variant (1).
Genome position (GRCh38, 1-based): chr9:21,971,025, G>T on the plus strand (C>A on the coding strand, the complement: CDKN2A is on the minus strand). VCF-style: chr9-21971025-G-T. GRCh37 (hg19) VCF-style: chr9-21971024-G-T.
Other names: c.334C>A, p.Arg112Ser (NM_000077.6, NM_001195132.2); c.181C>A, p.Arg61Ser (NM_001363763.2); c.377C>A, p.Pro126Gln (NM_058195.4); c.*257C>A (NM_058197.5); short protein forms P126Q, R112S, R61S.
Identifiers: ClinVar variation 1995012 (VCV001995012.4), dbSNP rs876660436, ClinGen allele CA373086038.

ClinVar aggregate classification (germline): Uncertain significance (1 of 4 stars; one submission).

Conditions:
Familial melanoma. Also called: Hereditary melanoma; Hereditary cutaneous melanoma. Identifiers: Orphanet 618, MedGen C1512419, MONDO:0018961.

Submission:

Labcorp Genetics (formerly Invitae), Labcorp
Classification: Uncertain significance for Familial melanoma. Last evaluated: 2023-02-14. Review status: criteria provided, single submitter. Criteria: Invitae Variant Classification Sherloc (09022015). Collection method: clinical testing. Allele origin: germline.
Comment: This variant disrupts the p.Arg112 amino acid residue in CDKN2A (p16INK4a). Other variant(s) that disrupt this residue have been determined to be pathogenic (PMID: 6307646, 10398427, 12072543, 16896043, 16905682, 17047042). This suggests that this residue is clinically significant, and that variants that disrupt this residue are likely to be disease-causing. Experimental studies have shown that this missense change affects CDKN2A (p16INK4a) function (PMID: 21462282). Algorithms developed to predict the effect of missense changes on protein structure and function are either unavailable or do not agree on the potential impact of this missense change (SIFT: "Deleterious"; PolyPhen-2: "Probably Damaging"; Align-GVGD: "Class C15"). This variant is also known as c.377C>A (p.Pro126Gln) in CDKN2A (p14ARF) transcript. This variant has not been reported in the literature in individuals affected with CDKN2A (p16INK4a)-related conditions. This variant is not present in population databases (gnomAD no frequency). This sequence change replaces arginine, which is basic and polar, with serine, which is neutral and polar, at codon 112 of the CDKN2A (p16INK4a) protein (p.Arg112Ser). The CDKN2A gene encodes two different proteins, p16INK4a and p14ARF, which are translated from alternative transcripts with different open reading frames. Both transcripts have been analyzed. We report either the variant with the higher classification or default to the CDKN2A (p16INK4a) variant. This report therefore includes the details for the CDKN2A (p16INK4a) variant. In summary, the available evidence is currently insufficient to determine the role of this variant in disease. Therefore, it has been classified as a Variant of Uncertain Significance.

Literature cited by the submitters: PubMed 6307646; PubMed 10398427; PubMed 12072543; PubMed 16896043; PubMed 16905682; PubMed 17047042; PubMed 21462282.